The following is an entry in ClinVar:

NM_182972.3(IRF2BP2):c.574A>T (p.Met192Leu)

Gene: IRF2BP2 (interferon regulatory factor 2 binding protein 2; minus strand). Cytogenetic location: 1q42.3.
Variant type: single nucleotide variant.
Coding change: c.574A>T on transcript NM_182972.3 (MANE Select); coding-DNA position 574, A replaced by T.
Protein change: p.Met192Leu; replaces methionine 192 with leucine.
Molecular consequence: missense variant.
Genome position (GRCh38, 1-based): chr1:234,608,921, T>A on the plus strand (A>T on the coding strand, the complement: IRF2BP2 is on the minus strand). VCF-style: chr1-234608921-T-A. GRCh37 (hg19) VCF-style: chr1-234744667-T-A.
Other names: c.574A>T, p.Met192Leu (NM_001077397.1); short protein forms M192L.
Identifiers: ClinVar variation 1964791 (VCV001964791.29), dbSNP rs951142964, ClinGen allele CA345309571.

ClinVar aggregate classification (germline): Uncertain significance. Review status: criteria provided, multiple submitters, no conflicts (2 of 4 stars). 2 submissions from 2 submitters: Uncertain significance (2). Last evaluated 2024-11-18.

Submissions (2):

Labcorp Genetics (formerly Invitae), Labcorp
Classification: Uncertain significance. Last evaluated: 2024-11-18. Review status: criteria provided, single submitter. Criteria: Invitae Variant Classification Sherloc (09022015). Collection method: clinical testing. Allele origin: germline.
Comment: This sequence change replaces methionine, which is neutral and non-polar, with leucine, which is neutral and non-polar, at codon 192 of the IRF2BP2 protein (p.Met192Leu). This variant is not present in population databases (gnomAD no frequency). This variant has not been reported in the literature in individuals affected with IRF2BP2-related conditions. ClinVar contains an entry for this variant (Variation ID: 1964791). An algorithm developed to predict the effect of missense changes on protein structure and function (PolyPhen-2) suggests that this variant is likely to be tolerated. In summary, the available evidence is currently insufficient to determine the role of this variant in disease. Therefore, it has been classified as a Variant of Uncertain Significance.

CeGaT Center for Human Genetics Tuebingen
Classification: Uncertain significance. Last evaluated: 2023-01-01. Review status: criteria provided, single submitter. Criteria: CeGaT Center For Human Genetics Tuebingen Variant Classification Criteria Version 2. Collection method: clinical testing. Allele origin: germline. Affected: yes. Observed: 1 variant allele.